The following is an entry in ClinVar:

NM_025099.6(CTC1):c.455C>T (p.Ser152Phe)

Gene: CTC1 (CST telomere replication complex component 1; minus strand). Cytogenetic location: 17p13.1.
Variant type: single nucleotide variant.
Coding change: c.455C>T on transcript NM_025099.6 (MANE Select); coding-DNA position 455, C replaced by T.
Protein change: p.Ser152Phe; replaces serine 152 with phenylalanine.
Molecular consequence: missense variant. On other transcripts: non-coding transcript variant (1).
Genome position (GRCh38, 1-based): chr17:8,238,223, G>A on the plus strand (C>T on the coding strand, the complement: CTC1 is on the minus strand). VCF-style: chr17-8238223-G-A. GRCh37 (hg19) VCF-style: chr17-8141541-G-A.
Other names: short protein forms S152F.
Identifiers: ClinVar variation 1473852 (VCV001473852.6), dbSNP rs1987914806, ClinGen allele CA397992901.

ClinVar aggregate classification (germline): Uncertain significance (1 of 4 stars; one submission).

Conditions:
Dyskeratosis congenita. Identifiers: Orphanet 1775, MedGen C0265965, MONDO:0015780.

Submission:

Labcorp Genetics (formerly Invitae), Labcorp
Classification: Uncertain significance for Dyskeratosis congenita. Last evaluated: 2022-02-06. Review status: criteria provided, single submitter. Criteria: Invitae Variant Classification Sherloc (09022015). Collection method: clinical testing. Allele origin: germline.
Comment: In summary, the available evidence is currently insufficient to determine the role of this variant in disease. Therefore, it has been classified as a Variant of Uncertain Significance. Algorithms developed to predict the effect of missense changes on protein structure and function are either unavailable or do not agree on the potential impact of this missense change (SIFT: "Deleterious"; PolyPhen-2: "Probably Damaging"; Align-GVGD: "Class C0"). This variant has not been reported in the literature in individuals affected with CTC1-related conditions. This variant is not present in population databases (gnomAD no frequency). This sequence change replaces serine, which is neutral and polar, with phenylalanine, which is neutral and non-polar, at codon 152 of the CTC1 protein (p.Ser152Phe).